The following is an entry in ClinVar:

ClinVar aggregate classification (germline): Pathogenic (1 of 4 stars; one submission).

Conditions:
Anemia, nonspherocytic hemolytic, due to G6PD deficiency (CNSHA1). Also called: Hemolytic anemia due to G6PD deficiency; Class I glucose-6-phosphate dehydrogenase deficiency; Favism, susceptibility to; ANEMIA, CONGENITAL, NONSPHEROCYTIC HEMOLYTIC, 1. Identifiers: Orphanet 466026, MedGen C2720289, MONDO:0010480, OMIM 300908.

Submission:

Dunham Lab, University of Washington
Classification: Pathogenic for Anemia, nonspherocytic hemolytic, due to G6PD deficiency. Last evaluated: 2022-08-12. Review status: criteria provided, single submitter. Criteria: Bayesian ACMG Guidelines, 2018. Collection method: curation. Allele origin: unknown. Affected: yes.
Comment: Decreased activity in red blood cells (13-27%) (PS3). Within dimer interface (PM1). Affects same amino acid as pathogenic 385C>R (ClinVar ID 10377) (PM5). Predicted to be pathogenic or deleterious by several in silico tools (PP3). Not found in gnomAD (PM2). Post_P 0.999 (odds of pathogenicity 6568, Prior_P 0.1).

Literature cited by the submitters: PubMed 28028996; PubMed 31294066.

NM_001360016.2(G6PD):c.1153T>G (p.Cys385Gly)

Gene: G6PD (glucose-6-phosphate dehydrogenase; minus strand). Cytogenetic location: Xq28.
Variant type: single nucleotide variant.
Coding change: c.1153T>G on transcript NM_001360016.2 (MANE Select); coding-DNA position 1153, T replaced by G.
Protein change: p.Cys385Gly; replaces cysteine 385 with glycine.
Molecular consequence: missense variant.
Genome position (GRCh38, 1-based): chrX:154,532,701, A>C on the plus strand (T>G on the coding strand, the complement: G6PD is on the minus strand). VCF-style: chrX-154532701-A-C. GRCh37 (hg19) VCF-style: chrX-153760916-A-C.
Other names: G6PD Kangnam; c.1243T>G, p.Cys415Gly (NM_000402.4); c.1153T>G, p.Cys385Gly (NM_001042351.3); short protein forms C385G, C415G.
Identifiers: ClinVar variation 1722670 (VCV001722670.2), dbSNP rs137852322, ClinGen allele CA415234107.